The following is an entry in ClinVar:

NM_021072.4(HCN1):c.1227G>C (p.Glu409Asp)

Gene: HCN1 (hyperpolarization activated cyclic nucleotide gated potassium channel 1; minus strand). Cytogenetic location: 5p12.
Variant type: single nucleotide variant.
Coding change: c.1227G>C on transcript NM_021072.4 (MANE Select); coding-DNA position 1227, G replaced by C.
Protein change: p.Glu409Asp; replaces glutamic acid 409 with aspartic acid.
Molecular consequence: missense variant.
Genome position (GRCh38, 1-based): chr5:45,396,495, C>G on the plus strand (G>C on the coding strand, the complement: HCN1 is on the minus strand). VCF-style: chr5-45396495-C-G. GRCh37 (hg19) VCF-style: chr5-45396597-C-G.
Other names: c.1227G>C (NM_021072.3); short protein forms E409D.
Identifiers: ClinVar variation 1461761 (VCV001461761.10), dbSNP rs2112040574, ClinGen allele CA359705144.

ClinVar aggregate classification (germline): Uncertain significance. Review status: criteria provided, multiple submitters, no conflicts (2 of 4 stars). 2 submissions from 2 submitters: Uncertain significance (2). Last evaluated 2025-02-11.

Conditions:
Early-infantile DEE. Also called: Early infantile epileptic encephalopathy; Ohtahara syndrome; Early infantile epileptic encephalopathy with suppression bursts. Identifiers: Orphanet 1934, MedGen C0393706, MONDO:0800491.

Submissions (2):

GeneDx
Classification: Uncertain significance. Last evaluated: 2025-02-11. Review status: criteria provided, single submitter. Criteria: GeneDx Variant Classification Process June 2021. Collection method: clinical testing. Allele origin: germline. Affected: yes.
Comment: Not observed at significant frequency in large population cohorts (gnomAD); In silico analysis supports that this missense variant has a deleterious effect on protein structure/function; Has not been previously published as pathogenic or benign to our knowledge

Labcorp Genetics (formerly Invitae), Labcorp
Classification: Uncertain significance for Early-infantile DEE. Last evaluated: 2022-09-07. Review status: criteria provided, single submitter. Criteria: Invitae Variant Classification Sherloc (09022015). Collection method: clinical testing. Allele origin: germline.
Comment: This variant is not present in population databases (gnomAD no frequency). This variant has not been reported in the literature in individuals affected with HCN1-related conditions. This missense change has been observed in at least one individual who was not affected with HCN1-related conditions (Invitae). ClinVar contains an entry for this variant (Variation ID: 1461761). Algorithms developed to predict the effect of missense changes on protein structure and function are either unavailable or do not agree on the potential impact of this missense change (SIFT: "Deleterious"; PolyPhen-2: "Benign"; Align-GVGD: "Class C35"). In summary, the available evidence is currently insufficient to determine the role of this variant in disease. Therefore, it has been classified as a Variant of Uncertain Significance. This sequence change replaces glutamic acid, which is acidic and polar, with aspartic acid, which is acidic and polar, at codon 409 of the HCN1 protein (p.Glu409Asp).